The following is an entry in ClinVar:

ClinVar aggregate classification (germline): Uncertain significance (1 of 4 stars; one submission).

Conditions:
Hereditary cancer-predisposing syndrome. Also called: Neoplastic Syndromes, Hereditary; Hereditary Cancer Syndrome; Hereditary neoplastic syndrome; Tumor predisposition. Identifiers: Orphanet 140162, MedGen C0027672, MeSH D009386, MONDO:0015356.

Submission:

Ambry Genetics
Classification: Uncertain significance for Hereditary cancer-predisposing syndrome. Last evaluated: 2023-06-05. Review status: criteria provided, single submitter. Criteria: Ambry Variant Classification Scheme 2023. Collection method: clinical testing. Allele origin: germline.
Comment: The p.E861Q variant (also known as c.2581G>C), located in coding exon 15 of the DICER1 gene, results from a G to C substitution at nucleotide position 2581. The glutamic acid at codon 861 is replaced by glutamine, an amino acid with highly similar properties. This amino acid position is conserved. In addition, the in silico prediction for this alteration is inconclusive. Since supporting evidence is limited at this time, the clinical significance of this alteration remains unclear.

NM_177438.3(DICER1):c.2581G>C (p.Glu861Gln)

Gene: DICER1 (dicer 1, ribonuclease III; minus strand). Cytogenetic location: 14q32.13.
Variant type: single nucleotide variant.
Coding change: c.2581G>C on transcript NM_177438.3 (MANE Select); coding-DNA position 2581, G replaced by C.
Protein change: p.Glu861Gln; replaces glutamic acid 861 with glutamine.
Molecular consequence: missense variant. On other transcripts: non-coding transcript variant (6).
Genome position (GRCh38, 1-based): chr14:95,107,949, C>G on the plus strand (G>C on the coding strand, the complement: DICER1 is on the minus strand). VCF-style: chr14-95107949-C-G. GRCh37 (hg19) VCF-style: chr14-95574286-C-G.
Other names: c.2581G>C, p.Glu861Gln (NM_001195573.1, NM_001271282.3, NM_001291628.2 and 13 more transcripts); c.2299G>C, p.Glu767Gln (NM_001395686.1); c.2176G>C, p.Glu726Gln (NM_001395687.1, NM_001395688.1, NM_001395689.1 and 2 more transcripts); c.2014G>C, p.Glu672Gln (NM_001395691.1); c.898G>C, p.Glu300Gln (NM_001395697.1); short protein forms E300Q, E726Q, E767Q, E861Q, E672Q.
Identifiers: ClinVar variation 2566227 (VCV002566227.2), dbSNP rs2542839591, ClinGen allele CA390881564.